The following is an entry in ClinVar:

NM_003052.5(SLC34A1):c.46C>T (p.Leu16Phe)

Gene: SLC34A1 (solute carrier family 34 member 1; plus strand). Cytogenetic location: 5q35.3.
Variant type: single nucleotide variant.
Coding change: c.46C>T on transcript NM_003052.5 (MANE Select); coding-DNA position 46, C replaced by T.
Protein change: p.Leu16Phe; replaces leucine 16 with phenylalanine.
Molecular consequence: missense variant.
Genome position (GRCh38, 1-based): chr5:177,385,787, C>T. VCF-style: chr5-177385787-C-T. GRCh37 (hg19) VCF-style: chr5-176812788-C-T.
Other names: c.46C>T, p.Leu16Phe (NM_001167579.2); short protein forms L16F.
Identifiers: ClinVar variation 1955384 (VCV001955384.5), dbSNP rs762446018, ClinGen allele CA3580225.

ClinVar aggregate classification (germline): Uncertain significance (1 of 4 stars; one submission).

Allele frequency attached by ClinVar (database versions not stated): ExAC 0.00001.

Submission:

Labcorp Genetics (formerly Invitae), Labcorp
Classification: Uncertain significance. Last evaluated: 2022-03-29. Review status: criteria provided, single submitter. Criteria: Invitae Variant Classification Sherloc (09022015). Collection method: clinical testing. Allele origin: germline.
Comment: Algorithms developed to predict the effect of missense changes on protein structure and function (SIFT, PolyPhen-2, Align-GVGD) all suggest that this variant is likely to be tolerated. In summary, the available evidence is currently insufficient to determine the role of this variant in disease. Therefore, it has been classified as a Variant of Uncertain Significance. This variant has not been reported in the literature in individuals affected with SLC34A1-related conditions. This sequence change replaces leucine, which is neutral and non-polar, with phenylalanine, which is neutral and non-polar, at codon 16 of the SLC34A1 protein (p.Leu16Phe). This variant is present in population databases (rs762446018, gnomAD 0.003%).